The following is an entry in ClinVar:

NM_000742.4(CHRNA2):c.905C>T (p.Ser302Leu)

Gene: CHRNA2 (cholinergic receptor nicotinic alpha 2 subunit; minus strand). Cytogenetic location: 8p21.2.
Variant type: single nucleotide variant.
Coding change: c.905C>T on transcript NM_000742.4 (MANE Select); coding-DNA position 905, C replaced by T.
Protein change: p.Ser302Leu; replaces serine 302 with leucine.
Molecular consequence: missense variant.
Genome position (GRCh38, 1-based): chr8:27,463,538, G>A on the plus strand (C>T on the coding strand, the complement: CHRNA2 is on the minus strand). VCF-style: chr8-27463538-G-A. GRCh37 (hg19) VCF-style: chr8-27321055-G-A.
Other names: c.860C>T, p.Ser287Leu (NM_001282455.2); c.428C>T, p.Ser143Leu (NM_001347705.2, NM_001347706.2); c.311C>T, p.Ser104Leu (NM_001347707.2, NM_001347708.2); short protein forms S104L, S143L, S287L, S302L.
Identifiers: ClinVar variation 1315050 (VCV001315050.6), dbSNP rs367914235, ClinGen allele CA4689575.

ClinVar aggregate classification (germline): Uncertain significance. Review status: criteria provided, multiple submitters, no conflicts (2 of 4 stars). 2 submissions from 2 submitters: Uncertain significance (2). Last evaluated 2023-11-06.

Conditions:
Familial sleep-related hypermotor epilepsy. Also called: Autosomal Dominant Sleep-Related Hypermotor (Hyperkinetic) Epilepsy. Identifiers: Orphanet 98784, MedGen C3696898, MONDO:0000030.

Allele frequency attached by ClinVar (database versions not stated): gnomAD exomes 0.00001; gnomAD 0.00003 and 0.00004; TOPMed 0.00002; ExAC 0.00001; ESP Exome Variant Server 0.00008.
gnomAD v4.1: 17 of 1,614,102 alleles (0.0011%); highest among the groups gnomAD compares: African/African-American, 0.0093%; no homozygotes.

Submissions (2):

Labcorp Genetics (formerly Invitae), Labcorp
Classification: Uncertain significance. Last evaluated: 2023-11-06. Review status: criteria provided, single submitter. Criteria: Invitae Variant Classification Sherloc (09022015). Collection method: clinical testing. Allele origin: germline.
Comment: This sequence change replaces serine, which is neutral and polar, with leucine, which is neutral and non-polar, at codon 302 of the CHRNA2 protein (p.Ser302Leu). This variant is present in population databases (rs367914235, gnomAD 0.007%). This variant has not been reported in the literature in individuals affected with CHRNA2-related conditions. ClinVar contains an entry for this variant (Variation ID: 1315050). Advanced modeling of protein sequence and biophysical properties (such as structural, functional, and spatial information, amino acid conservation, physicochemical variation, residue mobility, and thermodynamic stability) performed at Invitae indicates that this missense variant is expected to disrupt CHRNA2 protein function with a positive predictive value of 80%. In summary, the available evidence is currently insufficient to determine the role of this variant in disease. Therefore, it has been classified as a Variant of Uncertain Significance.

GeneDx
Classification: Uncertain significance. Last evaluated: 2020-02-26. Review status: criteria provided, single submitter. Criteria: GeneDx Variant Classification Process June 2021. Collection method: clinical testing. Allele origin: germline. Affected: yes.
Comment: In silico analysis supports that this missense variant has a deleterious effect on protein structure/function; Has not been previously published as pathogenic or benign to our knowledge